The following is an entry in ClinVar:

ClinVar aggregate classification (germline): Pathogenic. Review status: criteria provided, multiple submitters, no conflicts (2 of 4 stars). 3 submissions from 3 submitters: Pathogenic (2). 1 of the submissions does not count toward it. Last evaluated 2025-06-13.

Conditions:
Leber congenital amaurosis (LCA). Also called: Leber's amaurosis. Identifiers: Orphanet 65, MedGen C0339527, MeSH D057130, MONDO:0018998.
Retinitis pigmentosa (RP). Identifiers: Orphanet 791, MedGen C0035334, MeSH D012174, MONDO:0019200, OMIM 268000. Inheritance: Autosomal dominant, autosomal recessive and X linked inheritance.

Submissions (3):

Women's Health and Genetics/Laboratory Corporation of America, LabCorp
Classification: Pathogenic for Leber congenital amaurosis. Last evaluated: 2025-06-13. Review status: criteria provided, single submitter. Criteria: LabCorp Variant Classification Summary - May 2015. Collection method: clinical testing. Allele origin: germline.
Comment: Variant summary: LRAT c.163C>T (p.Arg55Trp) results in a non-conservative amino acid change in the encoded protein sequence. Algorithms developed to predict the effect of missense changes on protein structure and function are either unavailable or do not agree on the potential impact of this missense change. The variant was absent in 251338 control chromosomes (gnomAD). c.163C>T has been observed in individuals affected with Leber Congenital Amaurosis or Retinitis Pigmentosa (Oishi_2014, Hosono_2018). These data indicate that the variant is likely to be associated with disease. A different variant affecting the same codon has been determined to be pathogenic by our lab (c.163C>G, p.Arg55Gly), supporting the critical relevance of codon 55 to LRAT protein function. The following publications have been ascertained in the context of this evaluation (PMID: 25324289, 29844330). ClinVar contains an entry for this variant (Variation ID: 143129). Based on the evidence outlined above, the variant was classified as pathogenic.

Labcorp Genetics (formerly Invitae), Labcorp
Classification: Pathogenic. Last evaluated: 2023-06-23. Review status: criteria provided, single submitter. Criteria: Invitae Variant Classification Sherloc (09022015). Collection method: clinical testing. Allele origin: germline.
Comment: This variant disrupts the p.Arg55 amino acid residue in LRAT. Other variant(s) that disrupt this residue have been determined to be pathogenic (PMID: 30190494; Invitae). This suggests that this residue is clinically significant, and that variants that disrupt this residue are likely to be disease-causing. For these reasons, this variant has been classified as Pathogenic. ClinVar contains an entry for this variant (Variation ID: 143129). This missense change has been observed in individual(s) with Leber congenital amaurosis and/or retinitis pigmentosa (PMID: 25324289, 29844330). In at least one individual the data is consistent with being in trans (on the opposite chromosome) from a pathogenic variant. It has also been observed to segregate with disease in related individuals. This variant is not present in population databases (gnomAD no frequency). This sequence change replaces arginine, which is basic and polar, with tryptophan, which is neutral and slightly polar, at codon 55 of the LRAT protein (p.Arg55Trp). An algorithm developed to predict the effect of missense changes on protein structure and function (PolyPhen-2) suggests that this variant is likely to be disruptive.

Department of Ophthalmology and Visual Sciences Kyoto University
Classification: Likely pathogenic for Retinitis pigmentosa. Review status: no assertion criteria provided. Collection method: not provided. Allele origin: unknown. Not counted in ClinVar's aggregate classification.
ClinVar note: Converted during submission from probable-pathogenic to Likely pathogenic.

Literature cited by the submitters: PubMed 25324289 (cited by Women's Health and Genetics/Laboratory Corporation of America, LabCorp and Labcorp Genetics (formerly Invitae), Labcorp); PubMed 29844330 (cited by Women's Health and Genetics/Laboratory Corporation of America, LabCorp and Labcorp Genetics (formerly Invitae), Labcorp); PubMed 30190494 (cited by Labcorp Genetics (formerly Invitae), Labcorp).

NM_004744.5(LRAT):c.163C>T (p.Arg55Trp)

Gene: LRAT (lecithin retinol acyltransferase; plus strand). Cytogenetic location: 4q32.1.
Variant type: single nucleotide variant.
Coding change: c.163C>T on transcript NM_004744.5 (MANE Select); coding-DNA position 163, C replaced by T.
Protein change: p.Arg55Trp; replaces arginine 55 with tryptophan.
Molecular consequence: missense variant.
Genome position (GRCh38, 1-based): chr4:154,744,489, C>T. VCF-style: chr4-154744489-C-T. GRCh37 (hg19) VCF-style: chr4-155665641-C-T.
Other names: c.163C>T, p.Arg55Trp (NM_001301645.2); short protein forms R55W.
Identifiers: ClinVar variation 143129 (VCV000143129.7), dbSNP rs527236079, ClinGen allele CA270087.